The following is an entry in ClinVar:

ClinVar aggregate classification (germline): Pathogenic (1 of 4 stars; one submission).

Conditions:
Neurofibromatosis, type 1 (NF1). Also called: VON RECKLINGHAUSEN DISEASE; NEUROFIBROMATOSIS, TYPE I, SOMATIC; Peripheral type neurofibromatosis; Neurofibromatosis, type I. Identifiers: Orphanet 636, MedGen C0027831, MONDO:0018975, OMIM 162200. Disease mechanism: loss of function.

Submission:

Labcorp Genetics (formerly Invitae), Labcorp
Classification: Pathogenic for Neurofibromatosis, type 1. Last evaluated: 2017-08-04. Review status: criteria provided, single submitter. Criteria: Invitae Variant Classification Sherloc (09022015). Collection method: clinical testing. Allele origin: germline.
Comment: For these reasons, this variant has been classified as Pathogenic. Loss-of-function variants in NF1 are known to be pathogenic (PMID: 10712197, 23913538). This variant has been reported in an individual affected with neurofibromatosis type 1 (PMID: 22155606). This variant is not present in population databases (ExAC no frequency). This sequence change creates a premature translational stop signal (p.Leu475Profs*2) in the NF1 gene. It is expected to result in an absent or disrupted protein product.

Literature cited by the submitters: PubMed 10712197; PubMed 23913538; PubMed 22155606.

NM_001042492.3(NF1):c.1423dup (p.Leu475fs)

Gene: NF1 (neurofibromin 1; plus strand). Cytogenetic location: 17q11.2.
Variant type: Duplication.
Coding change: c.1423dup on transcript NM_001042492.3 (MANE Select); coding-DNA position 1423, one base duplicated (C; older notation c.1423dupC).
Protein change: p.Leu475fs; shifts the reading frame from leucine 475.
Molecular consequence: frameshift variant.
Genome position (GRCh38, 1-based): chr17:31,214,481, C duplicated; the last of 2 consecutive C bases (chr17:31,214,480-31,214,481); duplicating either gives the same sequence. VCF-style (leftmost placement, unchanged base first): chr17-31214479-G-GC. GRCh37 (hg19) VCF-style: chr17-29541497-G-GC.
Other names: c.1423dupC (NM_000267.3); c.1423dup, p.Leu475Profs (NM_000267.4); c.1423dup, p.Leu475fs (NM_001128147.3); short protein forms L475fs.
Identifiers: ClinVar variation 527489 (VCV000527489.5), dbSNP rs1555612274, ClinGen allele CA658798762.